The following is an entry in ClinVar:

ClinVar aggregate classification (germline): Uncertain significance. Review status: criteria provided, multiple submitters, no conflicts (2 of 4 stars). 2 submissions from 2 submitters: Uncertain significance (2). Last evaluated 2023-08-04.

Conditions:
Inborn genetic diseases. Identifiers: MedGen C0950123, MeSH D030342.

Allele frequency attached by ClinVar (database versions not stated): gnomAD exomes below 0.00001.
gnomAD v4.1: 4 of 1,611,474 alleles (0.00025%); highest among the groups gnomAD compares: African/African-American, 0.0027%; no homozygotes.

Submissions (2):

Ambry Genetics
Classification: Uncertain significance for Inborn genetic diseases. Last evaluated: 2023-08-04. Review status: criteria provided, single submitter. Criteria: Ambry Variant Classification Scheme 2023. Collection method: clinical testing. Allele origin: germline.

Labcorp Genetics (formerly Invitae), Labcorp
Classification: Uncertain significance. Last evaluated: 2022-09-23. Review status: criteria provided, single submitter. Criteria: Invitae Variant Classification Sherloc (09022015). Collection method: clinical testing. Allele origin: germline.
Comment: This sequence change replaces alanine, which is neutral and non-polar, with serine, which is neutral and polar, at codon 150 of the ZIC1 protein (p.Ala150Ser). This variant is not present in population databases (gnomAD no frequency). This variant has not been reported in the literature in individuals affected with ZIC1-related conditions. Advanced modeling of protein sequence and biophysical properties (such as structural, functional, and spatial information, amino acid conservation, physicochemical variation, residue mobility, and thermodynamic stability) performed at Invitae indicates that this missense variant is not expected to disrupt ZIC1 protein function. In summary, the available evidence is currently insufficient to determine the role of this variant in disease. Therefore, it has been classified as a Variant of Uncertain Significance.

NM_003412.4(ZIC1):c.448G>T (p.Ala150Ser)

Gene: ZIC1 (Zic family zinc finger 1; plus strand). Cytogenetic location: 3q24.
Variant type: single nucleotide variant.
Coding change: c.448G>T on transcript NM_003412.4 (MANE Select); coding-DNA position 448, G replaced by T.
Protein change: p.Ala150Ser; replaces alanine 150 with serine.
Molecular consequence: missense variant.
Genome position (GRCh38, 1-based): chr3:147,410,560, G>T. VCF-style: chr3-147410560-G-T. GRCh37 (hg19) VCF-style: chr3-147128347-G-T.
Other names: c.448G>T (NM_003412.3); short protein forms A150S.
Identifiers: ClinVar variation 2008435 (VCV002008435.6), dbSNP rs1268777811, ClinGen allele CA354896714.